The following is an entry in ClinVar:

ClinVar aggregate classification (germline): Uncertain significance (1 of 4 stars; one submission).

Conditions:
Hereditary cancer-predisposing syndrome. Also called: Neoplastic Syndromes, Hereditary; Tumor predisposition; Hereditary neoplastic syndrome; Hereditary Cancer Syndrome. Identifiers: Orphanet 140162, MedGen C0027672, MeSH D009386, MONDO:0015356.

Allele frequency attached by ClinVar (database versions not stated): gnomAD exomes below 0.00001.
gnomAD v4.1: 1 of 1,614,214 alleles (0.000062%); highest among the groups gnomAD compares: Non-Finnish European, 0.000085%; no homozygotes.

Submission:

Ambry Genetics
Classification: Uncertain significance for Hereditary cancer-predisposing syndrome. Last evaluated: 2023-10-13. Review status: criteria provided, single submitter. Criteria: Ambry Variant Classification Scheme 2023. Collection method: clinical testing. Allele origin: germline.
Comment: The p.D251E variant (also known as c.753T>A), located in coding exon 2 of the BLM gene, results from a T to A substitution at nucleotide position 753. The aspartic acid at codon 251 is replaced by glutamic acid, an amino acid with highly similar properties. This amino acid position is conserved. In addition, this alteration is predicted to be tolerated by in silico analysis. Since supporting evidence is limited at this time, the clinical significance of this alteration remains unclear.

NM_000057.4(BLM):c.753T>A (p.Asp251Glu)

Gene: BLM (BLM RecQ like helicase; plus strand). Cytogenetic location: 15q26.1.
Variant type: single nucleotide variant.
Coding change: c.753T>A on transcript NM_000057.4 (MANE Select); coding-DNA position 753, T replaced by A.
Protein change: p.Asp251Glu; replaces aspartic acid 251 with glutamic acid.
Molecular consequence: missense variant. On other transcripts: 5 prime UTR variant (1).
Genome position (GRCh38, 1-based): chr15:90,750,021, T>A. VCF-style: chr15-90750021-T-A. GRCh37 (hg19) VCF-style: chr15-91293251-T-A.
Other names: c.753T>A, p.Asp251Glu (NM_001287246.2, NM_001287247.2); c.-539T>A (NM_001287248.2); short protein forms D251E.
Identifiers: ClinVar variation 3224898 (VCV003224898.1), dbSNP rs2505394868, ClinGen allele CA393841484.